The following is an entry in ClinVar:

ClinVar aggregate classification (germline): Uncertain significance (1 of 4 stars; one submission).

Allele frequency attached by ClinVar (database versions not stated): gnomAD 0.00001; TOPMed 0.00001; gnomAD exomes 0.00002; ExAC 0.00004.
gnomAD v4.1: 26 of 1,612,044 alleles (0.0016%); highest among the groups gnomAD compares: East Asian, 0.031%; no homozygotes.

Submission:

Labcorp Genetics (formerly Invitae), Labcorp
Classification: Uncertain significance. Last evaluated: 2022-02-04. Review status: criteria provided, single submitter. Criteria: Invitae Variant Classification Sherloc (09022015). Collection method: clinical testing. Allele origin: germline.
Comment: In summary, the available evidence is currently insufficient to determine the role of this variant in disease. Therefore, it has been classified as a Variant of Uncertain Significance. Algorithms developed to predict the effect of missense changes on protein structure and function are either unavailable or do not agree on the potential impact of this missense change (SIFT: "Deleterious"; PolyPhen-2: "Benign"; Align-GVGD: "Class C0"). This variant has not been reported in the literature in individuals affected with PDE10A-related conditions. This variant is present in population databases (rs778570787, gnomAD 0.02%). This sequence change replaces alanine, which is neutral and non-polar, with valine, which is neutral and non-polar, at codon 781 of the PDE10A protein (p.Ala781Val).

NM_001385079.1(PDE10A):c.3140C>T (p.Ala1047Val)

Gene: PDE10A (phosphodiesterase 10A; minus strand). Cytogenetic location: 6q27.
Variant type: single nucleotide variant.
Coding change: c.3140C>T on transcript NM_001385079.1 (MANE Select); coding-DNA position 3140, C replaced by T.
Protein change: p.Ala1047Val; replaces alanine 1047 with valine.
Molecular consequence: missense variant.
Genome position (GRCh38, 1-based): chr6:165,333,053, G>A on the plus strand (C>T on the coding strand, the complement: PDE10A is on the minus strand). VCF-style: chr6-165333053-G-A. GRCh37 (hg19) VCF-style: chr6-165746542-G-A.
Other names: c.2342C>T, p.Ala781Val (NM_001130690.3); c.2312C>T, p.Ala771Val (NM_006661.4); short protein forms A1047V, A771V, A781V.
Identifiers: ClinVar variation 1384817 (VCV001384817.8), dbSNP rs778570787, ClinGen allele CA4091902.
Genomic context (GRCh38, chr6:165,333,053, plus strand): 5'-TAGGTGGGACAGCGTGTCAGGGTGACCAGTGCTCAATCTTCAGATGCAGCTGCCTTCTGA[G>A]CCACGGATGGGGATGAAATCCAGGTTGCAGTCTCCTCCCCTCGAATCACCTTCTCCCACT-3'
Protein context (NP_001372008.1, residues 1037-1055): TATWISSPSV[Ala1047Val]QKAAASED